The following is an entry in ClinVar:

ClinVar aggregate classification (germline): Conflicting classifications of pathogenicity. Review status: criteria provided, conflicting classifications (1 of 4 stars). 4 submissions from 4 submitters: Pathogenic (1); Uncertain significance (3). Last evaluated 2025-08-04.

Conditions:
Hereditary cancer-predisposing syndrome. Also called: Neoplastic Syndromes, Hereditary; Hereditary Cancer Syndrome; Tumor predisposition; Hereditary neoplastic syndrome. Identifiers: Orphanet 140162, MedGen C0027672, MeSH D009386, MONDO:0015356.

Allele frequency attached by ClinVar (database versions not stated): TOPMed 0.00003; gnomAD 0.00004; gnomAD exomes 0.00006; ExAC 0.00009.

Submissions (4):

Labcorp Genetics (formerly Invitae), Labcorp
Classification: Uncertain significance. Last evaluated: 2025-08-04. Review status: criteria provided, single submitter. Criteria: Invitae Variant Classification Sherloc (09022015). Collection method: clinical testing. Allele origin: germline.
Comment: This sequence change creates a premature translational stop signal (p.Met144Trpfs*5) in the RECQL gene. It is expected to result in an absent or disrupted protein product. However, the current clinical and genetic evidence is not sufficient to establish whether loss-of-function variants in RECQL cause disease. The frequency data for this variant in the population databases is considered unreliable, as metrics indicate poor data quality at this position in the gnomAD database. This premature translational stop signal has been observed in individual(s) with breast and ovarian cancer (PMID: 25915596). ClinVar contains an entry for this variant (Variation ID: 545808). Experimental studies and prediction algorithms are not available or were not evaluated, and the functional significance of this variant is currently unknown. In summary, the available evidence is currently insufficient to determine the role of this variant in disease. Therefore, it has been classified as a Variant of Uncertain Significance.

GeneDx
Classification: Uncertain significance. Last evaluated: 2023-07-20. Review status: criteria provided, single submitter. Criteria: GeneDx Variant Classification Process June 2021. Collection method: clinical testing. Allele origin: germline. Affected: yes.
Comment: Frameshift variant predicted to result in protein truncation or nonsense mediated decay in a gene or region of a gene for which loss of function is not an established mechanism of disease; Identified in individuals with breast cancer, but also in unaffected controls, and in one breast cancer case the tumor did not show loss of heterozygosity (Cybulski et al., 2015; Dorling et al., 2021).; Variants in candidate genes are classified as variants of uncertain significance in accordance with ACMG guidelines (Richards et al., 2015); This variant is associated with the following publications: (PMID: 25915596, 30224651, 33471991, 32517021, 32546565, 19151156, 27248010)

Ambry Genetics
Classification: Uncertain significance. Last evaluated: 2022-12-06. Review status: criteria provided, single submitter. Criteria: Ambry Variant Classification Scheme 2023. Collection method: clinical testing. Allele origin: germline.
Comment: The c.426delT variant, located in coding exon 4 of the RECQL gene, results from a deletion of one nucleotide at nucleotide position 426, causing a translational frameshift with a predicted alternate stop codon (p.M144Wfs*5). This variant has been reported in a French Canadian high risk breast cancer family (Cybulski C et al. Nat Genet, 2015 Jun;47:643-6). This alteration has also been reported in 0/4536 female index patients diagnosed with breast or ovarian cancer and 2/4576 controls in an Australian population (Li N et al. Nat Genet, 2018 10;50:1346-1348). This alteration is expected to result in premature protein truncation or nonsense-mediated mRNA decay. However, the evidence for this gene-disease relationship is limited; therefore, the clinical significance of this alteration is unclear.

Mendelics
Classification: Pathogenic for Hereditary cancer-predisposing syndrome. Last evaluated: 2018-07-02. Review status: criteria provided, single submitter. Criteria: Mendelics Assertion Criteria 2017. Collection method: clinical testing. Allele origin: unknown.

Literature cited by the submitters: PubMed 25915596 (cited by Labcorp Genetics (formerly Invitae), Labcorp and Ambry Genetics); PubMed 30224651 (cited by Ambry Genetics).

NM_002907.4(RECQL):c.426del (p.Met144fs)

Gene: RECQL (RecQ like helicase; minus strand). Cytogenetic location: 12p12.1.
Variant type: Deletion.
Coding change: c.426del on transcript NM_002907.4 (MANE Select); coding-DNA position 426, one base deleted (T; older notation c.426delT).
Protein change: p.Met144fs; shifts the reading frame from methionine 144.
Molecular consequence: frameshift variant.
Genome position (GRCh38, 1-based): chr12:21,486,554, A deleted on the plus strand (T on the coding strand, the reverse complement: RECQL is on the minus strand). VCF-style (leftmost placement, unchanged base first): chr12-21486553-GA-G. GRCh37 (hg19) VCF-style: chr12-21639487-GA-G.
Other names: c.426del (NM_002907.3); c.426del, p.Met144fs (NM_032941.3); short protein forms M144fs.
Identifiers: ClinVar variation 545808 (VCV000545808.17), dbSNP rs753723230, ClinGen allele CA6479077.
Genomic context (GRCh38, chr12:21,486,553, plus strand): 5'-CATTTAACATGGTTGCTGAAATTCCTAATTGTTTTAAAACCATTAATTGGTCTTCCATAA[GA>G]GAGATCAATGGGCAAATGACGAGTGTAAAACCTAAAAGAGAAAAAAAAAAAAATCTACCT-3'